The following is an entry in ClinVar:

NM_000051.4(ATM):c.5800C>A (p.Leu1934Met)

Genes: ATM (ATM serine/threonine kinase; plus strand), C11orf65 (chromosome 11 open reading frame 65; minus strand). Cytogenetic location: 11q22.3.
Variant type: single nucleotide variant.
Coding change: c.5800C>A on transcript NM_000051.4 (MANE Select); coding-DNA position 5800, C replaced by A.
Protein change: p.Leu1934Met; replaces leucine 1934 with methionine.
Molecular consequence: missense variant. On other transcripts: intron variant (2).
Genome position (GRCh38, 1-based): chr11:108,310,197, C>A. VCF-style: chr11-108310197-C-A. GRCh37 (hg19) VCF-style: chr11-108180924-C-A.
Other names: c.5800C>A, p.Leu1934Met (NM_001351834.2); c.641-1126G>T (NM_001330368.2); c.*39-1126G>T (NM_001351110.2); short protein forms L1934M.
Identifiers: ClinVar variation 1042521 (VCV001042521.9), dbSNP rs2084026395, ClinGen allele CA382548352.

ClinVar aggregate classification (germline): Uncertain significance (1 of 4 stars; one submission).

Conditions:
Ataxia-telangiectasia syndrome (AT). Also called: Ataxia telangiectasia (A-T); ATAXIA-TELANGIECTASIA, COMPLEMENTATION GROUP A; ATAXIA-TELANGIECTASIA, FRESNO VARIANT; Ataxia-telangiectasia; Ataxia-telangiectasia, complementation group E; LOUIS-BAR SYNDROME. Identifiers: Orphanet 100, MedGen C0004135, MONDO:0008840, OMIM 208900.

Submission:

Labcorp Genetics (formerly Invitae), Labcorp
Classification: Uncertain significance for Ataxia-telangiectasia syndrome. Last evaluated: 2025-08-09. Review status: criteria provided, single submitter. Criteria: Invitae Variant Classification Sherloc (09022015). Collection method: clinical testing. Allele origin: germline.
Comment: This sequence change replaces leucine, which is neutral and non-polar, with methionine, which is neutral and non-polar, at codon 1934 of the ATM protein (p.Leu1934Met). This variant is not present in population databases (gnomAD no frequency). This variant has not been reported in the literature in individuals affected with ATM-related conditions. ClinVar contains an entry for this variant (Variation ID: 1042521). Invitae Evidence Modeling of protein sequence and biophysical properties (such as structural, functional, and spatial information, amino acid conservation, physicochemical variation, residue mobility, and thermodynamic stability) indicates that this missense variant is not expected to disrupt ATM protein function with a negative predictive value of 95%. In summary, the available evidence is currently insufficient to determine the role of this variant in disease. Therefore, it has been classified as a Variant of Uncertain Significance.